The following is an entry in ClinVar:

NM_004356.4(CD81):c.403G>A (p.Val135Met)

Gene: CD81 (CD81 molecule; plus strand). Cytogenetic location: 11p15.5.
Variant type: single nucleotide variant.
Coding change: c.403G>A on transcript NM_004356.4 (MANE Select); coding-DNA position 403, G replaced by A.
Protein change: p.Val135Met; replaces valine 135 with methionine.
Molecular consequence: missense variant.
Genome position (GRCh38, 1-based): chr11:2,395,464, G>A. VCF-style: chr11-2395464-G-A. GRCh37 (hg19) VCF-style: chr11-2416694-G-A.
Other names: c.190G>A, p.Val64Met (NM_001297649.2); short protein forms V135M, V64M.
Identifiers: ClinVar variation 1486892 (VCV001486892.8), dbSNP rs181171080, ClinGen allele CA5819995.

ClinVar aggregate classification (germline): Uncertain significance (1 of 4 stars; one submission).

Allele frequency attached by ClinVar (database versions not stated): gnomAD 0.00001; TOPMed 0.00002; gnomAD exomes 0.00003; ExAC 0.00004; 1000 Genomes Project 30x 0.00016; 1000 Genomes Project 0.00020.
gnomAD v4.1: 58 of 1,612,780 alleles (0.0036%); highest among the groups gnomAD compares: South Asian, 0.0077%; 1 homozygote.

Submission:

Labcorp Genetics (formerly Invitae), Labcorp
Classification: Uncertain significance. Last evaluated: 2025-12-23. Review status: criteria provided, single submitter. Criteria: Invitae Variant Classification Sherloc (09022015). Collection method: clinical testing. Allele origin: germline.
Comment: This sequence change replaces valine, which is neutral and non-polar, with methionine, which is neutral and non-polar, at codon 135 of the CD81 protein (p.Val135Met). This variant is present in population databases (rs181171080, gnomAD 0.01%). This variant has not been reported in the literature in individuals affected with CD81-related conditions. ClinVar contains an entry for this variant (Variation ID: 1486892). An algorithm developed to predict the effect of missense changes on protein structure and function (PolyPhen-2) suggests that this variant is likely to be tolerated. In summary, the available evidence is currently insufficient to determine the role of this variant in disease. Therefore, it has been classified as a Variant of Uncertain Significance.